The following is an entry in ClinVar:

NM_001166108.2(PALLD):c.472C>A (p.His158Asn)

Gene: PALLD (palladin, cytoskeletal associated protein; plus strand). Cytogenetic location: 4q32.3.
Variant type: single nucleotide variant.
Coding change: c.472C>A on transcript NM_001166108.2 (MANE Select); coding-DNA position 472, C replaced by A.
Protein change: p.His158Asn; replaces histidine 158 with asparagine.
Molecular consequence: missense variant.
Genome position (GRCh38, 1-based): chr4:168,511,976, C>A. VCF-style: chr4-168511976-C-A. GRCh37 (hg19) VCF-style: chr4-169433127-C-A.
Other names: c.472C>A, p.His158Asn (NM_016081.4); short protein forms H158N.
Identifiers: ClinVar variation 900371 (VCV000900371.4), dbSNP rs777197884, ClinGen allele CA3135376.

ClinVar aggregate classification (germline): Likely benign (1 of 4 stars; one submission).

Conditions:
Pancreatic cancer, susceptibility to, 1. Identifiers: Orphanet 1333, MedGen C1847351, MONDO:0011739, OMIM 606856.

Allele frequency attached by ClinVar (database versions not stated): gnomAD 0.00001; gnomAD exomes 0.00003 and 0.00004; ExAC 0.00004.
gnomAD v4.1: 53 of 1,614,222 alleles (0.0033%); highest among the groups gnomAD compares: East Asian, 0.11%; no homozygotes.

Submission:

Illumina Laboratory Services, Illumina
Classification: Likely benign for Pancreatic cancer, susceptibility to, 1. Last evaluated: 2018-01-13. Review status: criteria provided, single submitter. Criteria: ICSL Variant Classification Criteria 13 December 2019. Collection method: clinical testing. Allele origin: germline.
Comment: This variant was observed in the ICSL laboratory as part of a predisposition screen in an ostensibly healthy population. It had not been previously curated by ICSL or reported in the Human Gene Mutation Database (HGMD: prior to June 1st, 2018), and was therefore a candidate for classification through an automated scoring system. Utilizing variant allele frequency, disease prevalence and penetrance estimates, and inheritance mode, an automated score was calculated to assess if this variant is too frequent to cause the disease. Based on the score and internal cut-off values, a variant classified as likely benign is not then subjected to further curation. The score for this variant resulted in a classification of likely benign for this disease.